The following is an entry in ClinVar:

NM_000540.3(RYR1):c.5640G>T (p.Glu1880Asp)

Gene: RYR1 (ryanodine receptor 1; plus strand). Cytogenetic location: 19q13.2.
Variant type: single nucleotide variant.
Coding change: c.5640G>T on transcript NM_000540.3 (MANE Select); coding-DNA position 5640, G replaced by T.
Protein change: p.Glu1880Asp; replaces glutamic acid 1880 with aspartic acid.
Molecular consequence: missense variant.
Genome position (GRCh38, 1-based): chr19:38,489,269, G>T. VCF-style: chr19-38489269-G-T. GRCh37 (hg19) VCF-style: chr19-38979909-G-T.
Other names: c.5640G>T, p.Glu1880Asp (NM_001042723.2); short protein forms E1880D.
Identifiers: ClinVar variation 3069855 (VCV003069855.1), dbSNP rs146875363, ClinGen allele CA405658281.

ClinVar aggregate classification (germline): Uncertain significance (1 of 4 stars; one submission).

Conditions:
Malignant hyperthermia, susceptibility to, 1 (MHS1). Also called: RYR1-Related Malignant Hyperthermia Susceptibility; Anesthesia related hyperthermia; Malignant hyperpyrexia; Fulminating hyperpyrexia; Pharmacogenic myopathy; Malignant hyperthermia suceptibility 1. Identifiers: Orphanet 423, MedGen C2930980, MONDO:0007783, OMIM 145600.

Submission:

All of Us Research Program, National Institutes of Health
Classification: Uncertain significance for Malignant hyperthermia, susceptibility to, 1. Last evaluated: 2023-03-09. Review status: criteria provided, single submitter. Criteria: ACMG Guidelines, 2015. Collection method: clinical testing. Allele origin: germline. Inheritance: Autosomal dominant inheritance. Observed: 1 variant allele, 1 heterozygote.
Comment: This missense variant replaces glutamic acid with aspartic acid at codon 1880 of the RYR1 protein. Computational prediction suggests that this variant may not impact protein structure and function (internally defined REVEL score threshold <= 0.5, PMID: 27666373). To our knowledge, functional studies have not been reported for this variant. This variant has not been reported in individuals affected with RYR1-related disorders in the literature. This variant has not been identified in the general population by the Genome Aggregation Database (gnomAD). The available evidence is insufficient to determine the role of this variant in disease conclusively. Therefore, this variant is classified as a Variant of Uncertain Significance.

This study involves interpretation of variants in research participants for the purpose of population health screening. Participant phenotype was not available at the time of variant classification. Additional details can be found in publication PMID: 35346344, PMCID: PMC8962531